The following is an entry in ClinVar:

ClinVar aggregate classification (germline): Uncertain significance (1 of 4 stars; one submission).

Allele frequency attached by ClinVar (database versions not stated): gnomAD exomes below 0.00001.
gnomAD v4.1: 2 of 1,551,458 alleles (0.00013%); highest among the groups gnomAD compares: Non-Finnish European, 0.00017%; no homozygotes.

Submission:

Ambry Genetics
Classification: Uncertain significance. Last evaluated: 2021-12-20. Review status: criteria provided, single submitter. Criteria: Ambry Variant Classification Scheme 2023. Collection method: clinical testing. Allele origin: germline.
Comment: The p.E1979G variant (also known as c.5936A>G), located in coding exon 44 of the PRKDC gene, results from an A to G substitution at nucleotide position 5936. The glutamic acid at codon 1979 is replaced by glycine, an amino acid with similar properties. This amino acid position is conserved. Since supporting evidence is limited at this time, the clinical significance of this alteration remains unclear.

NM_006904.7(PRKDC):c.5936A>G (p.Glu1979Gly)

Gene: PRKDC (protein kinase, DNA-activated, catalytic subunit; minus strand). Cytogenetic location: 8q11.21.
Variant type: single nucleotide variant.
Coding change: c.5936A>G on transcript NM_006904.7 (MANE Select); coding-DNA position 5936, A replaced by G.
Protein change: p.Glu1979Gly; replaces glutamic acid 1979 with glycine.
Molecular consequence: missense variant.
Genome position (GRCh38, 1-based): chr8:47,862,111, T>C on the plus strand (A>G on the coding strand, the complement: PRKDC is on the minus strand). VCF-style: chr8-47862111-T-C. GRCh37 (hg19) VCF-style: chr8-48774672-T-C.
Other names: c.5936A>G, p.Glu1979Gly (NM_001081640.2); short protein forms E1979G.
Identifiers: ClinVar variation 1750596 (VCV001750596.2), dbSNP rs2551870595, ClinGen allele CA371161997.